The following is an entry in ClinVar:

ClinVar aggregate classification (germline): Conflicting classifications of pathogenicity. Review status: criteria provided, conflicting classifications (1 of 4 stars). 6 submissions from 6 submitters: Uncertain significance (5); Likely benign (1). Last evaluated 2025-11-07.

Conditions:
Long QT syndrome (LQTS). Identifiers: MedGen C0023976, MeSH D008133, MONDO:0002442. Disease mechanism: loss of function. Inheritance: Various modes of inheritance.
Cardiovascular phenotype. Identifiers: MedGen CN230736.
Cardiac arrhythmia, ankyrin-B-related. Also called: ANKYRIN-B SYNDROME. Identifiers: Orphanet 101016, Orphanet 768, MedGen C1970119, MONDO:0010958, OMIM 600919.

Allele frequency attached by ClinVar (database versions not stated): gnomAD exomes 0.00001 and 0.00002; ExAC 0.00002; gnomAD 0.00002 and 0.00004; TOPMed 0.00003.
gnomAD v4.1: 34 of 1,613,918 alleles (0.0021%); highest among the groups gnomAD compares: Non-Finnish European, 0.0028%; no homozygotes.

Submissions (6):

Ambry Genetics
Classification: Uncertain significance for Cardiovascular phenotype. Last evaluated: 2025-11-07. Review status: criteria provided, single submitter. Criteria: Ambry Variant Classification Scheme 2023. Collection method: clinical testing. Allele origin: germline.
Comment: The p.T1839P variant (also known as c.5515A>C), located in coding exon 38 of the ANK2 gene, results from an A to C substitution at nucleotide position 5515. The threonine at codon 1839 is replaced by proline, an amino acid with highly similar properties. This amino acid position is conserved. In addition, this alteration is predicted to be tolerated by in silico analysis. Since supporting evidence is limited at this time, the clinical significance of this alteration remains unclear.

Molecular Diagnostic Laboratory for Inherited Cardiovascular Disease, Montreal Heart Institute
Classification: Uncertain significance for Cardiovascular phenotype. Last evaluated: 2025-04-09. Review status: criteria provided, single submitter. Criteria: ACMG Guidelines, 2015. Collection method: clinical testing. Allele origin: germline. Affected: yes.

Labcorp Genetics (formerly Invitae), Labcorp
Classification: Uncertain significance for Long QT syndrome. Last evaluated: 2024-02-22. Review status: criteria provided, single submitter. Criteria: Invitae Variant Classification Sherloc (09022015). Collection method: clinical testing. Allele origin: germline.
Comment: This sequence change replaces threonine, which is neutral and polar, with proline, which is neutral and non-polar, at codon 1839 of the ANK2 protein (p.Thr1839Pro). This variant is present in population databases (rs763795429, gnomAD 0.003%). This variant has not been reported in the literature in individuals affected with ANK2-related conditions. ClinVar contains an entry for this variant (Variation ID: 642528). Algorithms developed to predict the effect of missense changes on protein structure and function output the following: SIFT: "Not Available"; PolyPhen-2: "Benign"; Align-GVGD: "Not Available". The proline amino acid residue is found in multiple mammalian species, which suggests that this missense change does not adversely affect protein function. In summary, the available evidence is currently insufficient to determine the role of this variant in disease. Therefore, it has been classified as a Variant of Uncertain Significance.

CeGaT Center for Human Genetics Tuebingen
Classification: Likely benign. Last evaluated: 2023-07-01. Review status: criteria provided, single submitter. Criteria: CeGaT Center For Human Genetics Tuebingen Variant Classification Criteria Version 2. Collection method: clinical testing. Allele origin: germline. Affected: yes. Observed: 1 variant allele.
Comment: ANK2: BP4

GeneDx
Classification: Uncertain significance. Last evaluated: 2022-05-11. Review status: criteria provided, single submitter. Criteria: GeneDx Variant Classification Process June 2021. Collection method: clinical testing. Allele origin: germline. Affected: yes.
Comment: Not observed at significant frequency in large population cohorts (gnomAD); In silico analysis supports that this missense variant does not alter protein structure/function; Has not been previously published as pathogenic or benign to our knowledge; Located in exon 38, which is reported as being expressed in a brain-specific transcript (Otto et al, 1991; Cunha et al, 2008; Wu et al, 2015)

Fulgent Genetics
Classification: Uncertain significance for Cardiac arrhythmia, ankyrin-B-related. Last evaluated: 2021-08-13. Review status: criteria provided, single submitter. Criteria: ACMG Guidelines, 2015. Collection method: clinical testing. Allele origin: unknown.

NM_001148.6(ANK2):c.5515A>C (p.Thr1839Pro)

Genes: ANK2 (ankyrin 2; plus strand), LOC126807136 (MED14-independent group 3 enhancer GRCh37_chr4:114274931-114276130; plus strand). Cytogenetic location: 4q26.
Variant type: single nucleotide variant.
Coding change: c.5515A>C on transcript NM_001148.6 (MANE Select); coding-DNA position 5515, A replaced by C.
Protein change: p.Thr1839Pro; replaces threonine 1839 with proline.
Molecular consequence: missense variant. On other transcripts: intron variant (68).
Genome position (GRCh38, 1-based): chr4:113,354,133, A>C. VCF-style: chr4-113354133-A-C. GRCh37 (hg19) VCF-style: chr4-114275289-A-C.
Other names: c.5281A>C, p.Thr1761Pro (NM_001386142.1); c.1915A>C, p.Thr639Pro (NM_001386166.1); c.5656A>C, p.Thr1886Pro (NM_001386174.1); c.5632A>C, p.Thr1878Pro (NM_001386175.1); c.4411+3884A>C (NM_001386186.2, NM_001386148.2); c.4213+3884A>C (NM_001354269.3); c.4291+3884A>C (NM_001386187.2); c.4252+3884A>C (NM_001386147.1); and 36 more; short protein forms T1839P, T1761P, T1878P, T1886P, T639P.
Identifiers: ClinVar variation 642528 (VCV000642528.36), dbSNP rs763795429, ClinGen allele CA3051246.